The following is an entry in ClinVar:

NM_022101.4(STEEP1):c.360C>G (p.Val120=)

Gene: STEEP1 (STING1 ER exit protein 1; minus strand). Cytogenetic location: Xq24.
Variant type: single nucleotide variant.
Coding change: c.360C>G on transcript NM_022101.4 (MANE Select); coding-DNA position 360, C replaced by G.
Protein change: p.Val120=; no amino-acid change (valine 120 retained).
Molecular consequence: synonymous variant.
Genome position (GRCh38, 1-based): chrX:119,544,416, G>C on the plus strand (C>G on the coding strand, the complement: STEEP1 is on the minus strand). VCF-style: chrX-119544416-G-C. GRCh37 (hg19) VCF-style: chrX-118678379-G-C.
Other names: c.213C>G, p.Val71= (NM_001170569.1); c.318C>G, p.Val106= (NM_001170570.2).
Identifiers: ClinVar variation 3257305 (VCV003257305.17).

ClinVar aggregate classification (germline): Likely benign (1 of 4 stars; one submission).

gnomAD v4.1: 12 of 1,205,494 alleles (0.001%); highest among the groups gnomAD compares: Non-Finnish European, 0.00056%; no homozygotes.

Submission:

CeGaT Center for Human Genetics Tuebingen
Classification: Likely benign. Last evaluated: 2024-07-01. Review status: criteria provided, single submitter. Criteria: CeGaT Center For Human Genetics Tuebingen Variant Classification Criteria Version 2. Collection method: clinical testing. Allele origin: germline. Affected: yes. Observed: 1 variant allele.
Comment: STEEP1: BP4, BP7